The following is an entry in ClinVar:

NM_000059.4(BRCA2):c.2861A>G (p.Glu954Gly)

Gene: BRCA2 (BRCA2 DNA repair associated; plus strand). Cytogenetic location: 13q13.1.
Variant type: single nucleotide variant.
Coding change: c.2861A>G on transcript NM_000059.4 (MANE Select); coding-DNA position 2861, A replaced by G.
Protein change: p.Glu954Gly; replaces glutamic acid 954 with glycine.
Molecular consequence: missense variant.
Genome position (GRCh38, 1-based): chr13:32,337,216, A>G. VCF-style: chr13-32337216-A-G. GRCh37 (hg19) VCF-style: chr13-32911353-A-G.
Other names: short protein forms E954G.
Identifiers: ClinVar variation 495444 (VCV000495444.12), dbSNP rs1555282915, ClinGen allele CA387773978.

ClinVar aggregate classification (germline): Conflicting classifications of pathogenicity. Review status: criteria provided, conflicting classifications (1 of 4 stars). 4 submissions from 4 submitters: Uncertain significance (3); Likely benign (1). Last evaluated 2023-03-23.

Conditions:
Hereditary breast ovarian cancer syndrome. Also called: Hereditary breast and/or ovarian cancer syndrome; BRCA1- and BRCA2-Associated Hereditary Breast and Ovarian Cancer; Breast and ovarian cancer; Hereditary breast and ovarian cancer; Hereditary breast and ovarian cancer syndrome; Hereditary breast and ovarian cancer syndrome (HBOC). Identifiers: Orphanet 145, MedGen C0677776, MeSH D061325, MONDO:0003582. Disease mechanism: loss of function.
Hereditary cancer-predisposing syndrome. Also called: Hereditary neoplastic syndrome; Tumor predisposition; Hereditary Cancer Syndrome; Neoplastic Syndromes, Hereditary. Identifiers: Orphanet 140162, MedGen C0027672, MeSH D009386, MONDO:0015356.

Submissions (4):

University of Washington Department of Laboratory Medicine, University of Washington
Classification: Likely benign for Hereditary cancer-predisposing syndrome. Last evaluated: 2023-03-23. Review status: criteria provided, single submitter. Criteria: Dines et al. (Genet Med. 2020). Collection method: curation. Allele origin: germline.
Comment: Missense variant in a coldspot region where missense variants are very unlikely to be pathogenic (PMID:31911673).

BRCA2 exon 11 coldspot. Reclassification based on statistical prior probability.

Ambry Genetics
Classification: Uncertain significance for Hereditary cancer-predisposing syndrome. Last evaluated: 2021-06-04. Review status: criteria provided, single submitter. Criteria: Ambry Variant Classification Scheme 2023. Collection method: clinical testing. Allele origin: germline.
Comment: The p.E954G variant (also known as c.2861A>G), located in coding exon 10 of the BRCA2 gene, results from an A to G substitution at nucleotide position 2861. The glutamic acid at codon 954 is replaced by glycine, an amino acid with similar properties. This amino acid position is poorly conserved in available vertebrate species. In addition, this alteration is predicted to be tolerated by in silico analysis. Since supporting evidence is limited at this time, the clinical significance of this alteration remains unclear.

Labcorp Genetics (formerly Invitae), Labcorp
Classification: Uncertain significance for Hereditary breast ovarian cancer syndrome. Last evaluated: 2018-01-24. Review status: criteria provided, single submitter. Criteria: Invitae Variant Classification Sherloc (09022015). Collection method: clinical testing. Allele origin: germline.
Comment: In summary, the available evidence is currently insufficient to determine the role of this variant in disease. Therefore, it has been classified as a Variant of Uncertain Significance. Algorithms developed to predict the effect of missense changes on protein structure and function (SIFT, PolyPhen-2, Align-GVGD) all suggest that this variant is likely to be tolerated, but these predictions have not been confirmed by published functional studies and their clinical significance is uncertain. This variant has not been reported in the literature in individuals with BRCA2-related disease. This variant is not present in population databases (ExAC no frequency). This sequence change replaces glutamic acid with glycine at codon 954 of the BRCA2 protein (p.Glu954Gly). The glutamic acid residue is weakly conserved and there is a moderate physicochemical difference between glutamic acid and glycine.

Women's Health and Genetics/Laboratory Corporation of America, LabCorp
Classification: Uncertain significance. Last evaluated: 2017-02-16. Review status: criteria provided, single submitter. Criteria: LabCorp Variant Classification Summary - May 2015. Collection method: clinical testing. Allele origin: germline.
Comment: Variant summary: The BRCA2 c.2861A>G (p.Glu954Gly) variant involves the alteration of a non-conserved nucleotide. 3/5 in silico tools predict a damaging outcome for this variant. This variant is absent from the ExAC database (0/120626 control chromosomes), which is a large, broad control database. The variant of interest has not, to our knowledge, been reported in affected individuals via publications and/or reputable databases/clinical diagnostic laboratories; nor evaluated for functional impact by in vivo/vitro studies. Because of the absence of clinical information, the absence of the variant in control or affected cohorts, and the lack of functional studies, the variant is classified as a variant of uncertain significance (VUS) until additional information becomes available.